The following is an entry in ClinVar:

ClinVar aggregate classification (germline): Likely benign. Review status: criteria provided, single submitter (1 of 4 stars). 2 submissions from 2 submitters: Likely benign (1). 1 of the submissions does not count toward it. Last evaluated 2025-01-11.

Conditions:
RETREG1-related disorder. Also called: RETREG1-related condition.

gnomAD v4.1: 10 of 1,444,378 alleles (0.00069%); highest among the groups gnomAD compares: African/African-American, 0.012%; no homozygotes.

Submissions (2):

Labcorp Genetics (formerly Invitae), Labcorp
Classification: Likely benign. Last evaluated: 2025-01-11. Review status: criteria provided, single submitter. Criteria: Invitae Variant Classification Sherloc (09022015). Collection method: clinical testing. Allele origin: germline.

PreventionGenetics, part of Exact Sciences
Classification: Likely benign for RETREG1-related condition. Last evaluated: 2019-02-20. Review status: no assertion criteria provided. Collection method: clinical testing. Allele origin: germline. Not counted in ClinVar's aggregate classification.
Comment: This variant is classified as likely benign based on ACMG/AMP sequence variant interpretation guidelines (Richards et al. 2015 PMID: 25741868, with internal and published modifications).

NM_001034850.3(RETREG1):c.21G>A (p.Pro7=)

Genes: RETREG1 (reticulophagy regulator 1; minus strand), RETREG1-AS1 (RETREG1 antisense RNA 1; plus strand), LOC129993734 (ATAC-STARR-seq lymphoblastoid silent region 15947; plus strand). Cytogenetic location: 5p15.1.
Variant type: single nucleotide variant.
Coding change: c.21G>A on transcript NM_001034850.3 (MANE Select); coding-DNA position 21, G replaced by A.
Protein change: p.Pro7=; no amino-acid change (proline 7 retained).
Molecular consequence: synonymous variant.
Genome position (GRCh38, 1-based): chr5:16,616,951, C>T on the plus strand (G>A on the coding strand, the complement: RETREG1 is on the minus strand). VCF-style: chr5-16616951-C-T. GRCh37 (hg19) VCF-style: chr5-16617060-C-T.
Identifiers: ClinVar variation 2078198 (VCV002078198.6), dbSNP rs928050560, ClinGen allele CA443418949.